The following is an entry in ClinVar:

NM_024757.5(EHMT1):c.494C>A (p.Pro165Gln)

Gene: EHMT1 (euchromatic histone lysine methyltransferase 1; plus strand). Cytogenetic location: 9q34.3.
Variant type: single nucleotide variant.
Coding change: c.494C>A on transcript NM_024757.5 (MANE Select); coding-DNA position 494, C replaced by A.
Protein change: p.Pro165Gln; replaces proline 165 with glutamine.
Molecular consequence: missense variant.
Genome position (GRCh38, 1-based): chr9:137,717,034, C>A. VCF-style: chr9-137717034-C-A. GRCh37 (hg19) VCF-style: chr9-140611486-C-A.
Other names: c.494C>A, p.Pro165Gln (NM_001145527.2, NM_001354263.2, NM_001354611.2); c.401C>A, p.Pro134Gln (NM_001354259.2, NM_001354612.2); short protein forms P134Q, P165Q.
Identifiers: ClinVar variation 1187880 (VCV001187880.10), dbSNP rs1945389965, ClinGen allele CA375765377.

ClinVar aggregate classification (germline): Conflicting classifications of pathogenicity. Review status: criteria provided, conflicting classifications (1 of 4 stars). 3 submissions from 3 submitters: Uncertain significance (1); Benign (1); Likely benign (1). Last evaluated 2025-02-14.

Conditions:
Kleefstra syndrome 1 (KLEFS1). Identifiers: Orphanet 261494, MedGen C0795833, MONDO:0027407, OMIM 610253.
Inborn genetic diseases. Identifiers: MedGen C0950123, MeSH D030342.

Allele frequency attached by ClinVar (database versions not stated): gnomAD 0.00001.
gnomAD v4.1: 3 of 1,607,020 alleles (0.00019%); highest among the groups gnomAD compares: Middle Eastern, 0.017%; no homozygotes.

Submissions (3):

Ambry Genetics
Classification: Uncertain significance for Inborn genetic diseases. Last evaluated: 2025-02-14. Review status: criteria provided, single submitter. Criteria: Ambry Variant Classification Scheme 2023. Collection method: clinical testing. Allele origin: germline.

Labcorp Genetics (formerly Invitae), Labcorp
Classification: Benign for Kleefstra syndrome 1. Last evaluated: 2024-12-17. Review status: criteria provided, single submitter. Criteria: Invitae Variant Classification Sherloc (09022015). Collection method: clinical testing. Allele origin: germline.

GeneDx
Classification: Likely benign. Last evaluated: 2020-04-08. Review status: criteria provided, single submitter. Criteria: GeneDx Variant Classification Process June 2021. Collection method: clinical testing. Allele origin: germline. Affected: yes.
Comment: Not observed in large population cohorts (Lek et al., 2016); In silico analysis, which includes protein predictors and evolutionary conservation, supports that this variant does not alter protein structure/function; Has not been previously published as pathogenic or benign to our knowledge